The following is an entry in ClinVar:

NM_000540.3(RYR1):c.8928C>T (p.His2976=)

Gene: RYR1 (ryanodine receptor 1; plus strand). Cytogenetic location: 19q13.2.
Variant type: single nucleotide variant.
Coding change: c.8928C>T on transcript NM_000540.3 (MANE Select); coding-DNA position 8928, C replaced by T.
Protein change: p.His2976=; no amino-acid change (histidine 2976 retained).
Molecular consequence: synonymous variant.
Genome position (GRCh38, 1-based): chr19:38,507,823, C>T. VCF-style: chr19-38507823-C-T. GRCh37 (hg19) VCF-style: chr19-38998463-C-T.
Other names: c.8928C>T, p.His2976= (NM_001042723.2).
Identifiers: ClinVar variation 696986 (VCV000696986.11), dbSNP rs779607612, ClinGen allele CA072892.
Genomic context (GRCh38, chr19:38,507,823, plus strand): 5'-CTTTGGCTTCCTGCAGCAGCTGCTGCGCTGGATGGACATTTCTCAGGAGTTCATTGCCCA[C>T]CTGGGTACGGAGAAATACCCCCCGCTTATGCCCGCCCCACCTGCAGACACCAGTTCTGCA-3'
Protein context (NP_000531.2, residues 2966-2986): WMDISQEFIA[His2976=]LEAVVSSGRV

ClinVar aggregate classification (germline): Likely benign. Review status: criteria provided, multiple submitters, no conflicts (2 of 4 stars). 2 submissions from 2 submitters: Likely benign (2). Last evaluated 2025-11-06.

Conditions:
RYR1-related disorder. Also called: RYR1-related condition; RYR1-related disorders. Identifiers: MedGen CN239331.
Malignant hyperthermia, susceptibility to, 1 (MHS1). Also called: Anesthesia related hyperthermia; Malignant hyperpyrexia; Fulminating hyperpyrexia; Pharmacogenic myopathy; Malignant hyperthermia suceptibility 1; RYR1-Related Malignant Hyperthermia Susceptibility. Identifiers: Orphanet 423, MedGen C2930980, MONDO:0007783, OMIM 145600.

Allele frequency attached by ClinVar (database versions not stated): gnomAD exomes below 0.00001; ExAC 0.00001; TOPMed 0.00002; gnomAD 0.00003 and 0.00004.
gnomAD v4.1: 6 of 1,606,584 alleles (0.00037%); highest among the groups gnomAD compares: African/African-American, 0.0068%; no homozygotes.

Submissions (2):

Labcorp Genetics (formerly Invitae), Labcorp
Classification: Likely benign for RYR1-related disorder. Last evaluated: 2025-11-06. Review status: criteria provided, single submitter. Criteria: Invitae Variant Classification Sherloc (09022015). Collection method: clinical testing. Allele origin: germline.

All of Us Research Program, National Institutes of Health
Classification: Likely benign for Malignant hyperthermia, susceptibility to, 1. Last evaluated: 2024-08-13. Review status: criteria provided, single submitter. Criteria: ACMG Guidelines, 2015. Collection method: clinical testing. Allele origin: germline. Inheritance: Autosomal dominant inheritance. Observed: 2 variant alleles, 2 heterozygotes.
Comment: This study involves interpretation of variants in research participants for the purpose of population health screening. Participant phenotype was not available at the time of variant classification. Additional details can be found in publication PMID: 35346344, PMCID: PMC8962531